The following is an entry in ClinVar:

ClinVar aggregate classification (germline): Uncertain significance (1 of 4 stars; one submission).

Conditions:
Cystinuria (CSNU). Also called: CYSTINURIA, TYPE I; CYSTINURIA, TYPE II; CYSTINURIA, TYPE III; Cystinuria, non-type I. Identifiers: Orphanet 214, MedGen C0010691, MONDO:0009067, OMIM 220100, HP:0003131.

Submission:

Labcorp Genetics (formerly Invitae), Labcorp
Classification: Uncertain significance for Cystinuria. Last evaluated: 2025-04-08. Review status: criteria provided, single submitter. Criteria: Invitae Variant Classification Sherloc (09022015). Collection method: clinical testing. Allele origin: germline.
Comment: This sequence change falls in intron 4 of the SLC3A1 gene. It does not directly change the encoded amino acid sequence of the SLC3A1 protein. It affects a nucleotide within the consensus splice site. This variant is present in population databases (rs748313799, gnomAD 0.0009%). This variant has been observed in individual(s) with cystinuria (PMID: 11748844). Variants that disrupt the consensus splice site are a relatively common cause of aberrant splicing (PMID: 17576681, 9536098). Algorithms developed to predict the effect of sequence changes on RNA splicing suggest that this variant may disrupt the consensus splice site. In summary, the available evidence is currently insufficient to determine the role of this variant in disease. Therefore, it has been classified as a Variant of Uncertain Significance.

Literature cited by the submitters: PubMed 11748844; PubMed 17576681; PubMed 9536098.

NM_000341.4(SLC3A1):c.892-3T>G

Gene: SLC3A1 (solute carrier family 3 member 1; plus strand). Cytogenetic location: 2p21.
Variant type: single nucleotide variant.
Coding change: c.892-3T>G on transcript NM_000341.4 (MANE Select); 3 bases into the intron before coding-DNA position 892, T replaced by G.
Molecular consequence: intron variant.
Genome position (GRCh38, 1-based): chr2:44,299,968, T>G. VCF-style: chr2-44299968-T-G. GRCh37 (hg19) VCF-style: chr2-44527107-T-G.
Identifiers: ClinVar variation 4775604 (VCV004775604.1).